The following is an entry in ClinVar:

NM_001379500.1(COL18A1):c.2253C>T (p.Gly751=)

Gene: COL18A1 (collagen type XVIII alpha 1 chain; plus strand). Cytogenetic location: 21q22.3.
Variant type: single nucleotide variant.
Coding change: c.2253C>T on transcript NM_001379500.1 (MANE Select); coding-DNA position 2253, C replaced by T.
Protein change: p.Gly751=; no amino-acid change (glycine 751 retained).
Molecular consequence: synonymous variant.
Genome position (GRCh38, 1-based): chr21:45,493,201, C>T. VCF-style: chr21-45493201-C-T. GRCh37 (hg19) VCF-style: chr21-46913115-C-T.
Other names: c.2793C>T, p.Gly931= (NM_030582.4); c.3498C>T, p.Gly1166= (NM_130444.3); c.2793C>T (NM_030582.3).
Identifiers: ClinVar variation 1653923 (VCV001653923.11), dbSNP rs942175133, ClinGen allele CA321919394.

ClinVar aggregate classification (germline): Likely benign. Review status: criteria provided, multiple submitters, no conflicts (2 of 4 stars). 3 submissions from 3 submitters: Likely benign (2). 1 of the submissions does not count toward it. Last evaluated 2024-10-16.

Conditions:
COL18A1-related disorder. Also called: COL18A1-related disorders; COL18A1-related condition.

Allele frequency attached by ClinVar (database versions not stated): gnomAD exomes 0.00001; TOPMed 0.00001.

Submissions (3):

Labcorp Genetics (formerly Invitae), Labcorp
Classification: Likely benign. Last evaluated: 2024-10-16. Review status: criteria provided, single submitter. Criteria: Invitae Variant Classification Sherloc (09022015). Collection method: clinical testing. Allele origin: germline.

Blueprint Genetics
Classification: Likely benign. Last evaluated: 2023-05-29. Review status: criteria provided, single submitter. Criteria: ACMG Guidelines, 2015. Collection method: clinical testing. Allele origin: germline.

PreventionGenetics, part of Exact Sciences
Classification: Likely benign for COL18A1-related condition. Last evaluated: 2022-09-01. Review status: no assertion criteria provided. Collection method: clinical testing. Allele origin: germline. Not counted in ClinVar's aggregate classification.
Comment: This variant is classified as likely benign based on ACMG/AMP sequence variant interpretation guidelines (Richards et al. 2015 PMID: 25741868, with internal and published modifications).